The following is an entry in ClinVar:

ClinVar aggregate classification (germline): Uncertain significance (1 of 4 stars; one submission).

Allele frequency attached by ClinVar (database versions not stated): ExAC 0.00001.
gnomAD v4.1: 2 of 1,600,248 alleles (0.00012%); highest among the groups gnomAD compares: Non-Finnish European, 0.00017%; no homozygotes.

Submission:

Labcorp Genetics (formerly Invitae), Labcorp
Classification: Uncertain significance. Last evaluated: 2022-07-10. Review status: criteria provided, single submitter. Criteria: Invitae Variant Classification Sherloc (09022015). Collection method: clinical testing. Allele origin: germline.
Comment: This sequence change replaces alanine, which is neutral and non-polar, with proline, which is neutral and non-polar, at codon 43 of the PYROXD1 protein (p.Ala43Pro). This variant is present in population databases (rs779480555, gnomAD 0.002%). This variant has not been reported in the literature in individuals affected with PYROXD1-related conditions. Algorithms developed to predict the effect of missense changes on protein structure and function are either unavailable or do not agree on the potential impact of this missense change (SIFT: "Deleterious"; PolyPhen-2: "Benign"; Align-GVGD: "Class C0"). In summary, the available evidence is currently insufficient to determine the role of this variant in disease. Therefore, it has been classified as a Variant of Uncertain Significance.

NM_024854.5(PYROXD1):c.127G>C (p.Ala43Pro)

Gene: PYROXD1 (pyridine nucleotide-disulphide oxidoreductase domain 1; plus strand). Cytogenetic location: 12p12.1.
Variant type: single nucleotide variant.
Coding change: c.127G>C on transcript NM_024854.5 (MANE Select); coding-DNA position 127, G replaced by C.
Protein change: p.Ala43Pro; replaces alanine 43 with proline.
Molecular consequence: missense variant. On other transcripts: 5 prime UTR variant (2).
Genome position (GRCh38, 1-based): chr12:21,440,410, G>C. VCF-style: chr12-21440410-G-C. GRCh37 (hg19) VCF-style: chr12-21593344-G-C.
Other names: c.-87G>C (NM_001350912.2); c.-577G>C (NM_001350913.2); short protein forms A43P.
Identifiers: ClinVar variation 2015646 (VCV002015646.4), dbSNP rs779480555, ClinGen allele CA6478106.